The following is an entry in ClinVar:

NM_002691.4(POLD1):c.1893-3C>A

Gene: POLD1 (DNA polymerase delta 1, catalytic subunit; plus strand). Cytogenetic location: 19q13.33.
Variant type: single nucleotide variant.
Coding change: c.1893-3C>A on transcript NM_002691.4 (MANE Select); 3 bases into the intron before coding-DNA position 1893, C replaced by A.
Molecular consequence: intron variant.
Genome position (GRCh38, 1-based): chr19:50,409,119, C>A. VCF-style: chr19-50409119-C-A. GRCh37 (hg19) VCF-style: chr19-50912376-C-A.
Other names: c.1893-3C>A (NM_001256849.1); c.1971-3C>A (NM_001308632.1).
Identifiers: ClinVar variation 2693980 (VCV002693980.3), dbSNP rs770709281, ClinGen allele CA2586570605.

ClinVar aggregate classification (germline): Uncertain significance (1 of 4 stars; one submission).

Conditions:
POLD1-related polyposis and colorectal cancer syndrome (CRCS10). Also called: Colorectal cancer 10; Colorectal cancer, susceptibility to, 10; COLORECTAL CANCER, SUSCEPTIBILITY TO, ON CHROMOSOME 19q. Identifiers: Orphanet 220460, MedGen C2675481, MONDO:0012953, OMIM 612591.

Submission:

Labcorp Genetics (formerly Invitae), Labcorp
Classification: Uncertain significance for POLD1-related polyposis and colorectal cancer syndrome. Last evaluated: 2023-11-07. Review status: criteria provided, single submitter. Criteria: Invitae Variant Classification Sherloc (09022015). Collection method: clinical testing. Allele origin: germline.
Comment: This sequence change falls in intron 15 of the POLD1 gene. It does not directly change the encoded amino acid sequence of the POLD1 protein. It affects a nucleotide within the consensus splice site. This variant is not present in population databases (gnomAD no frequency). This variant has not been reported in the literature in individuals affected with POLD1-related conditions. Variants that disrupt the consensus splice site are a relatively common cause of aberrant splicing (PMID: 17576681, 9536098). Algorithms developed to predict the effect of sequence changes on RNA splicing suggest that this variant may disrupt the consensus splice site. In summary, the available evidence is currently insufficient to determine the role of this variant in disease. Therefore, it has been classified as a Variant of Uncertain Significance.

Literature cited by the submitters: PubMed 17576681; PubMed 9536098.